The following is an entry in ClinVar:

ClinVar aggregate classification (germline): Uncertain significance (1 of 4 stars; one submission).

Conditions:
Immunodeficiency 51 (IMD51). Also called: CANDIDIASIS, FAMILIAL, 5. Identifiers: Orphanet 1334, MedGen C4310803, MONDO:0013500, OMIM 613953.

gnomAD v4.1: 2 of 1,571,246 alleles (0.00013%); highest among the groups gnomAD compares: Non-Finnish European, 0.00017%; no homozygotes.

Submission:

Labcorp Genetics (formerly Invitae), Labcorp
Classification: Uncertain significance for Immunodeficiency 51. Last evaluated: 2024-06-20. Review status: criteria provided, single submitter. Criteria: Invitae Variant Classification Sherloc (09022015). Collection method: clinical testing. Allele origin: germline.
Comment: This sequence change replaces proline, which is neutral and non-polar, with leucine, which is neutral and non-polar, at codon 622 of the IL17RA protein (p.Pro622Leu). This variant is not present in population databases (gnomAD no frequency). This variant has not been reported in the literature in individuals affected with IL17RA-related conditions. Advanced modeling of protein sequence and biophysical properties (such as structural, functional, and spatial information, amino acid conservation, physicochemical variation, residue mobility, and thermodynamic stability) performed at Invitae indicates that this missense variant is not expected to disrupt IL17RA protein function with a negative predictive value of 80%. In summary, the available evidence is currently insufficient to determine the role of this variant in disease. Therefore, it has been classified as a Variant of Uncertain Significance.

NM_014339.7(IL17RA):c.1865C>T (p.Pro622Leu)

Gene: IL17RA (interleukin 17 receptor A; plus strand). Cytogenetic location: 22q11.1.
Variant type: single nucleotide variant.
Coding change: c.1865C>T on transcript NM_014339.7 (MANE Select); coding-DNA position 1865, C replaced by T.
Protein change: p.Pro622Leu; replaces proline 622 with leucine.
Molecular consequence: missense variant.
Genome position (GRCh38, 1-based): chr22:17,109,084, C>T. VCF-style: chr22-17109084-C-T. GRCh37 (hg19) VCF-style: chr22-17589974-C-T.
Other names: c.1763C>T, p.Pro588Leu (NM_001289905.2); short protein forms P588L, P622L.
Identifiers: ClinVar variation 3671111 (VCV003671111.2).